The following is an entry in ClinVar:

NM_000138.5(FBN1):c.2790G>A (p.Arg930=)

Gene: FBN1 (fibrillin 1; minus strand). Cytogenetic location: 15q21.1.
Variant type: single nucleotide variant.
Coding change: c.2790G>A on transcript NM_000138.5 (MANE Select); coding-DNA position 2790, G replaced by A.
Protein change: p.Arg930=; no amino-acid change (arginine 930 retained).
Molecular consequence: synonymous variant.
Genome position (GRCh38, 1-based): chr15:48,492,525, C>T on the plus strand (G>A on the coding strand, the complement: FBN1 is on the minus strand). VCF-style: chr15-48492525-C-T. GRCh37 (hg19) VCF-style: chr15-48784722-C-T.
Other names: c.2790G>A, p.Arg930= (NM_001406716.1).
Identifiers: ClinVar variation 1964372 (VCV001964372.6), dbSNP rs1487113959, ClinGen allele CA490020356.

ClinVar aggregate classification (germline): Likely benign. Review status: criteria provided, multiple submitters, no conflicts (2 of 4 stars). 2 submissions from 2 submitters: Likely benign (2). Last evaluated 2023-10-27.

Conditions:
Marfan syndrome (MFS). Also called: MARFAN SYNDROME, TYPE I; Marfan syndrome type 1; Marfan's syndrome; Marfan syndrome, classic; FBN1-Related Marfan Syndrome. Identifiers: Orphanet 284963, Orphanet 558, MedGen C0024796, MONDO:0007947, OMIM 154700.
Familial thoracic aortic aneurysm and aortic dissection (TAAD). Also called: Thoracic aortic aneurysms and dissections. Identifiers: Orphanet 91387, MedGen C4707243, MONDO:0019625.

Allele frequency attached by ClinVar (database versions not stated): gnomAD exomes below 0.00001.
gnomAD v4.1: 2 of 1,612,058 alleles (0.00012%); highest among the groups gnomAD compares: Non-Finnish European, 0.00017%; no homozygotes.

Submissions (2):

All of Us Research Program, National Institutes of Health
Classification: Likely benign for Marfan syndrome. Last evaluated: 2023-10-27. Review status: criteria provided, single submitter. Criteria: ACMG Guidelines, 2015. Collection method: clinical testing. Allele origin: germline. Inheritance: Autosomal dominant inheritance. Observed: 1 variant allele, 1 heterozygote.
Comment: This study involves interpretation of variants in research participants for the purpose of population health screening. Participant phenotype was not available at the time of variant classification. Additional details can be found in publication PMID: 35346344, PMCID: PMC8962531

Labcorp Genetics (formerly Invitae), Labcorp
Classification: Likely benign for Marfan syndrome; Familial thoracic aortic aneurysm and aortic dissection. Last evaluated: 2022-02-05. Review status: criteria provided, single submitter. Criteria: Invitae Variant Classification Sherloc (09022015). Collection method: clinical testing. Allele origin: germline.